The following is an entry in ClinVar:

NM_152468.5(TMC8):c.-20_7del (p.Met1_Leu3del)

Genes: TMC6 (transmembrane channel like 6; minus strand), TMC8 (transmembrane channel like 8; plus strand), LOC130061792 (ATAC-STARR-seq lymphoblastoid silent region 9043; plus strand). Cytogenetic location: 17q25.3.
Variant type: Deletion.
Coding change: c.-20_7del on transcript NM_152468.5 (MANE Select); 20 bases upstream of the start codon through coding-DNA position 7, 27 bases deleted (CTCTACCCGTGCCCGCCGAGATGCTGC).
Protein change: p.Met1_Leu3del.
Molecular consequence: inframe deletion, initiator codon variant. On other transcripts: intron variant (1).
Genome position (GRCh38, 1-based): chr17:78,131,569-78,131,595, CTCTACCCGTGCCCGCCGAGATGCTGC deleted; deleting any 27 consecutive bases within chr17:78,131,567-78,131,595 gives the same sequence; the c. name uses the placement nearest the transcript's 3' end. VCF-style (leftmost placement, unchanged base first): chr17-78131566-AGCCTCTACCCGTGCCCGCCGAGATGCT-A. GRCh37 (hg19) VCF-style: chr17-76127647-AGCCTCTACCCGTGCCCGCCGAGATGCT-A.
Other names: c.-75+748_-75+774del (NM_007267.7).
Identifiers: ClinVar variation 1982792 (VCV001982792.4), dbSNP rs1230051290, ClinGen allele CA628013733.

ClinVar aggregate classification (germline): Uncertain significance (1 of 4 stars; one submission).

Conditions:
Epidermodysplasia verruciformis. Identifiers: Orphanet 302, MedGen C0014522, MONDO:0009176.

Submission:

Labcorp Genetics (formerly Invitae), Labcorp
Classification: Uncertain significance for Epidermodysplasia verruciformis. Last evaluated: 2022-05-13. Review status: criteria provided, single submitter. Criteria: Invitae Variant Classification Sherloc (09022015). Collection method: clinical testing. Allele origin: germline.
Comment: In summary, the available evidence is currently insufficient to determine the role of this variant in disease. Therefore, it has been classified as a Variant of Uncertain Significance. Experimental studies and prediction algorithms are not available or were not evaluated, and the functional significance of this variant is currently unknown. This sequence change affects the initiator methionine of the TMC8 mRNA. The next in-frame methionine is located at codon 26. This variant is present in population databases (no rsID available, gnomAD 0.002%). This variant has not been reported in the literature in individuals affected with TMC8-related conditions.